The following is an entry in ClinVar:

NM_014806.5(RUSC2):c.855C>G (p.Ser285Arg)

Gene: RUSC2 (RUN and SH3 domain containing 2; plus strand). Cytogenetic location: 9p13.3.
Variant type: single nucleotide variant.
Coding change: c.855C>G on transcript NM_014806.5 (MANE Select); coding-DNA position 855, C replaced by G.
Protein change: p.Ser285Arg; replaces serine 285 with arginine.
Molecular consequence: missense variant. On other transcripts: non-coding transcript variant (1), intron variant (1).
Genome position (GRCh38, 1-based): chr9:35,547,376, C>G. VCF-style: chr9-35547376-C-G. GRCh37 (hg19) VCF-style: chr9-35547373-C-G.
Other names: c.855C>G, p.Ser285Arg (NM_001135999.2); c.-620-7684C>G (NM_001330740.2); short protein forms S285R.
Identifiers: ClinVar variation 1964590 (VCV001964590.5), dbSNP rs753748292, ClinGen allele CA373329338.

ClinVar aggregate classification (germline): Uncertain significance (1 of 4 stars; one submission).

gnomAD v4.1: 4 of 1,614,202 alleles (0.00025%); highest among the groups gnomAD compares: Non-Finnish European, 0.00034%; no homozygotes.

Submission:

Labcorp Genetics (formerly Invitae), Labcorp
Classification: Uncertain significance. Last evaluated: 2022-03-10. Review status: criteria provided, single submitter. Criteria: Invitae Variant Classification Sherloc (09022015). Collection method: clinical testing. Allele origin: germline.
Comment: This sequence change replaces serine, which is neutral and polar, with arginine, which is basic and polar, at codon 285 of the RUSC2 protein (p.Ser285Arg). This variant is not present in population databases (gnomAD no frequency). This variant has not been reported in the literature in individuals affected with RUSC2-related conditions. Algorithms developed to predict the effect of missense changes on protein structure and function (SIFT, PolyPhen-2, Align-GVGD) all suggest that this variant is likely to be disruptive. In summary, the available evidence is currently insufficient to determine the role of this variant in disease. Therefore, it has been classified as a Variant of Uncertain Significance.